The following is an entry in ClinVar:

NM_000057.4(BLM):c.3215A>G (p.Tyr1072Cys)

Gene: BLM (BLM RecQ like helicase; plus strand). Cytogenetic location: 15q26.1.
Variant type: single nucleotide variant.
Coding change: c.3215A>G on transcript NM_000057.4 (MANE Select); coding-DNA position 3215, A replaced by G.
Protein change: p.Tyr1072Cys; replaces tyrosine 1072 with cysteine.
Molecular consequence: missense variant.
Genome position (GRCh38, 1-based): chr15:90,798,194, A>G. VCF-style: chr15-90798194-A-G. GRCh37 (hg19) VCF-style: chr15-91341424-A-G.
Other names: c.3215A>G, p.Tyr1072Cys (NM_001287246.2, NM_001287247.2); c.2090A>G, p.Tyr697Cys (NM_001287248.2); short protein forms Y697C, Y1072C.
Identifiers: ClinVar variation 1728980 (VCV001728980.2), dbSNP rs2505534188, ClinGen allele CA393847110.

ClinVar aggregate classification (germline): Uncertain significance (1 of 4 stars; one submission).

Conditions:
Hereditary cancer-predisposing syndrome. Also called: Tumor predisposition; Neoplastic Syndromes, Hereditary; Hereditary Cancer Syndrome; Hereditary neoplastic syndrome. Identifiers: Orphanet 140162, MedGen C0027672, MeSH D009386, MONDO:0015356.

Submission:

Ambry Genetics
Classification: Uncertain significance for Hereditary cancer-predisposing syndrome. Last evaluated: 2023-11-16. Review status: criteria provided, single submitter. Criteria: Ambry Variant Classification Scheme 2023. Collection method: clinical testing. Allele origin: germline.
Comment: The p.Y1072C variant (also known as c.3215A>G), located in coding exon 16 of the BLM gene, results from an A to G substitution at nucleotide position 3215. The tyrosine at codon 1072 is replaced by cysteine, an amino acid with highly dissimilar properties. This amino acid position is conserved. In addition, this alteration is predicted to be tolerated by in silico analysis. Since supporting evidence is limited at this time, the clinical significance of this alteration remains unclear.